The following is an entry in ClinVar:

ClinVar aggregate classification (germline): Uncertain significance. Review status: criteria provided, multiple submitters, no conflicts (2 of 4 stars). 4 submissions from 4 submitters: Uncertain significance (4). Last evaluated 2024-02-15.

Conditions:
Autosomal recessive nonsyndromic hearing loss 97. Also called: Deafness, autosomal recessive 97. Identifiers: Orphanet 90636, MedGen C4084709, MONDO:0014739, OMIM 616705.
Hereditary cancer-predisposing syndrome. Also called: Neoplastic Syndromes, Hereditary; Hereditary Cancer Syndrome; Tumor predisposition; Hereditary neoplastic syndrome. Identifiers: Orphanet 140162, MedGen C0027672, MeSH D009386, MONDO:0015356.
Renal cell carcinoma. Identifiers: Orphanet 217071, MedGen C0007134, MeSH D002292, MONDO:0005086, HP:0005584.

Submissions (4):

Ambry Genetics
Classification: Uncertain significance for Hereditary cancer-predisposing syndrome. Last evaluated: 2024-02-15. Review status: criteria provided, single submitter. Criteria: Ambry Variant Classification Scheme 2023. Collection method: clinical testing. Allele origin: germline.
Comment: The p.F523S variant (also known as c.1568T>C), located in coding exon 4 of the MET gene, results from a T to C substitution at nucleotide position 1568. The phenylalanine at codon 523 is replaced by serine, an amino acid with highly dissimilar properties. This amino acid position is highly conserved in available vertebrate species. In addition, the in silico prediction for this alteration is inconclusive. Based on the available evidence, the clinical significance of this alteration remains unclear.

Baylor Genetics
Classification: Uncertain significance for Autosomal recessive nonsyndromic hearing loss 97. Last evaluated: 2023-08-14. Review status: criteria provided, single submitter. Criteria: ACMG Guidelines, 2015. Collection method: clinical testing. Allele origin: unknown.

Labcorp Genetics (formerly Invitae), Labcorp
Classification: Uncertain significance for Renal cell carcinoma. Last evaluated: 2023-06-14. Review status: criteria provided, single submitter. Criteria: Invitae Variant Classification Sherloc (09022015). Collection method: clinical testing. Allele origin: germline.
Comment: In summary, the available evidence is currently insufficient to determine the role of this variant in disease. Therefore, it has been classified as a Variant of Uncertain Significance. This sequence change replaces phenylalanine, which is neutral and non-polar, with serine, which is neutral and polar, at codon 523 of the MET protein (p.Phe523Ser). This variant is not present in population databases (gnomAD no frequency). This variant has not been reported in the literature in individuals affected with MET-related conditions. ClinVar contains an entry for this variant (Variation ID: 945122). Advanced modeling of protein sequence and biophysical properties (such as structural, functional, and spatial information, amino acid conservation, physicochemical variation, residue mobility, and thermodynamic stability) performed at Invitae indicates that this missense variant is expected to disrupt MET protein function.

Sema4
Classification: Uncertain significance for Hereditary cancer-predisposing syndrome. Last evaluated: 2021-04-04. Review status: criteria provided, single submitter. Criteria: Sema4 Curation Guidelines. Collection method: curation. Allele origin: germline.
Comment: The MET c.1568T>C (p.F523S) variant has not been reported in the literature to our knowledge. It was not observed in the Genome Aggregation Database (PMID: 32461654). The variant has been reported in ClinVar (Variation ID 945122). In silico tools suggest the impact of the variant on protein function is inconclusive, though these predictions have not been confirmed by functional studies. The evidence is insufficient to meet ACMG/AMP criteria for classifying the variant as benign or pathogenic. Thus, the clinical significance of this variant is currently uncertain.

NM_000245.4(MET):c.1568T>C (p.Phe523Ser)

Gene: MET (MET proto-oncogene, receptor tyrosine kinase; plus strand). Cytogenetic location: 7q31.2.
Variant type: single nucleotide variant.
Coding change: c.1568T>C on transcript NM_000245.4 (MANE Select); coding-DNA position 1568, T replaced by C.
Protein change: p.Phe523Ser; replaces phenylalanine 523 with serine.
Molecular consequence: missense variant.
Genome position (GRCh38, 1-based): chr7:116,740,892, T>C. VCF-style: chr7-116740892-T-C. GRCh37 (hg19) VCF-style: chr7-116380946-T-C.
Other names: c.1568T>C, p.Phe523Ser (NM_001127500.3, NM_001324401.3); c.278T>C, p.Phe93Ser (NM_001324402.2); short protein forms F93S, F523S.
Identifiers: ClinVar variation 945122 (VCV000945122.13), dbSNP rs1793420216, ClinGen allele CA368975149.